The following is an entry in ClinVar:

NC_000005.9:g.(?_131926906)_(131927108_?)del

Gene: RAD50 (RAD50 double strand break repair protein; plus strand). Cytogenetic location: 5q31.1.
Variant type: Deletion.
Identifiers: ClinVar variation 1036130 (VCV001036130.5).

ClinVar aggregate classification (germline): Uncertain significance (1 of 4 stars; one submission).

Conditions:
Hereditary cancer-predisposing syndrome. Also called: Neoplastic Syndromes, Hereditary; Hereditary Cancer Syndrome; Tumor predisposition; Hereditary neoplastic syndrome. Identifiers: Orphanet 140162, MedGen C0027672, MeSH D009386, MONDO:0015356.

Submission:

Labcorp Genetics (formerly Invitae), Labcorp
Classification: Uncertain significance for Hereditary cancer-predisposing syndrome. Last evaluated: 2020-07-08. Review status: criteria provided, single submitter. Criteria: Invitae Variant Classification Sherloc (09022015). Collection method: clinical testing. Allele origin: germline.
Comment: This variant is an in-frame deletion of the genomic region encompassing exon(s) 10 of the RAD50 gene. It preserves the integrity of the reading frame. This variant has not been reported in the literature in individuals with RAD50-related conditions. Experimental studies and prediction algorithms are not available or were not evaluated, and the functional significance of this variant is currently unknown. In summary, the available evidence is currently insufficient to determine the role of this variant in disease. Therefore, it has been classified as a Variant of Uncertain Significance.